The following is an entry in ClinVar:

NM_001166108.2(PALLD):c.2324A>G (p.Asp775Gly)

Genes: CBR4 (carbonyl reductase 4; minus strand), PALLD (palladin, cytoskeletal associated protein; plus strand). Cytogenetic location: 4q32.3.
Variant type: single nucleotide variant.
Coding change: c.2324A>G on transcript NM_001166108.2 (MANE Select); coding-DNA position 2324, A replaced by G.
Protein change: p.Asp775Gly; replaces aspartic acid 775 with glycine.
Molecular consequence: missense variant.
Genome position (GRCh38, 1-based): chr4:168,898,566, A>G. VCF-style: chr4-168898566-A-G. GRCh37 (hg19) VCF-style: chr4-169819717-A-G.
Other names: c.1127A>G, p.Asp376Gly (NM_001166109.2); c.812A>G, p.Asp271Gly (NM_001166110.2); c.152A>G, p.Asp51Gly (NM_001367567.1, NM_001367569.1); c.203A>G, p.Asp68Gly (NM_001367568.1, NM_001367570.1); c.2273A>G, p.Asp758Gly (NM_016081.4); short protein forms D51G, D775G, D271G, D68G, D758G, D376G.
Identifiers: ClinVar variation 2448508 (VCV002448508.2), dbSNP rs1755775639, ClinGen allele CA358798811.

ClinVar aggregate classification (germline): Uncertain significance (1 of 4 stars; one submission).

Submission:

Ambry Genetics
Classification: Uncertain significance. Last evaluated: 2023-02-28. Review status: criteria provided, single submitter. Criteria: Ambry Variant Classification Scheme 2023. Collection method: clinical testing. Allele origin: germline.
Comment: The p.D758G variant (also known as c.2273A>G), located in coding exon 12 of the PALLD gene, results from an A to G substitution at nucleotide position 2273. The aspartic acid at codon 758 is replaced by glycine, an amino acid with similar properties. This amino acid position is conserved. In addition, this alteration is predicted to be tolerated by in silico analysis. Since supporting evidence is limited at this time, the clinical significance of this alteration remains unclear.